The following is an entry in ClinVar:

ClinVar aggregate classification (germline): Uncertain significance (1 of 4 stars; one submission).

gnomAD v4.1: 1 of 1,613,946 alleles (0.000062%); no homozygotes.

Submission:

Labcorp Genetics (formerly Invitae), Labcorp
Classification: Uncertain significance. Last evaluated: 2025-09-21. Review status: criteria provided, single submitter. Criteria: Invitae Variant Classification Sherloc (09022015). Collection method: clinical testing. Allele origin: germline.
Comment: This sequence change replaces aspartic acid, which is acidic and polar, with asparagine, which is neutral and polar, at codon 317 of the NDUFA9 protein (p.Asp317Asn). This variant is not present in population databases (gnomAD no frequency). This variant has not been reported in the literature in individuals affected with NDUFA9-related conditions. An algorithm developed to predict the effect of missense changes on protein structure and function (PolyPhen-2) suggests that this variant is likely to be disruptive. In summary, the available evidence is currently insufficient to determine the role of this variant in disease. Therefore, it has been classified as a Variant of Uncertain Significance.

NM_005002.5(NDUFA9):c.949G>A (p.Asp317Asn)

Gene: NDUFA9 (NADH:ubiquinone oxidoreductase subunit A9; plus strand). Cytogenetic location: 12p13.32.
Variant type: single nucleotide variant.
Coding change: c.949G>A on transcript NM_005002.5 (MANE Select); coding-DNA position 949, G replaced by A.
Protein change: p.Asp317Asn; replaces aspartic acid 317 with asparagine.
Molecular consequence: missense variant.
Genome position (GRCh38, 1-based): chr12:4,685,311, G>A. VCF-style: chr12-4685311-G-A. GRCh37 (hg19) VCF-style: chr12-4794477-G-A.
Other names: short protein forms D317N.
Identifiers: ClinVar variation 4694893 (VCV004694893.1).
Genomic context (GRCh38, chr12:4,685,311, plus strand): 5'-CTTTCCAGATGGGTAGCAAGAGTCTTTGAAATAAGCCCATTTGAGCCCTGGATAACAAGG[G>A]ATAAAGTGGAGCGGGTGAGTACATGTGTGGAAAGCGTCTGCCTGGGCAGATGATGAGGCG-3'
Protein context (NP_004993.1, residues 307-327): ISPFEPWITR[Asp317Asn]KVERMHITDM